The following is an entry in ClinVar:

NM_006035.4(CDC42BPB):c.4889A>G (p.Gln1630Arg)

Gene: CDC42BPB (CDC42 binding protein kinase beta; minus strand). Cytogenetic location: 14q32.32.
Variant type: single nucleotide variant.
Coding change: c.4889A>G on transcript NM_006035.4 (MANE Select); coding-DNA position 4889, A replaced by G.
Protein change: p.Gln1630Arg; replaces glutamine 1630 with arginine.
Molecular consequence: missense variant.
Genome position (GRCh38, 1-based): chr14:102,938,350, T>C on the plus strand (A>G on the coding strand, the complement: CDC42BPB is on the minus strand). VCF-style: chr14-102938350-T-C. GRCh37 (hg19) VCF-style: chr14-103404687-T-C.
Other names: c.4811A>G, p.Gln1604Arg (NM_001411054.1); short protein forms Q1604R, Q1630R.
Identifiers: ClinVar variation 4689023 (VCV004689023.1).

ClinVar aggregate classification (germline): Uncertain significance (1 of 4 stars; one submission).

gnomAD v4.1: 9 of 1,597,610 alleles (0.00056%); highest among the groups gnomAD compares: Non-Finnish European, 0.00077%; no homozygotes.

Submission:

Women's Health and Genetics/Laboratory Corporation of America, LabCorp
Classification: Uncertain significance. Last evaluated: 2026-01-29. Review status: criteria provided, single submitter. Criteria: LabCorp Variant Classification Summary - May 2015. Collection method: clinical testing. Allele origin: germline.
Comment: Variant summary: CDC42BPB c.4889A>G (p.Gln1630Arg) results in a conservative amino acid change in the encoded protein sequence. Algorithms developed to predict the effect of missense changes on protein structure and function are either unavailable or do not agree on the potential impact of this missense change. The variant allele was found at a frequency of 4.3e-06 in 231456 control chromosomes. The available data on variant occurrences in the general population are insufficient to allow any conclusion about variant significance. To our knowledge, no occurrence of c.4889A>G in individuals affected with CDC42BPB-related conditions and no experimental evidence demonstrating its impact on protein function have been reported. No submitters have cited clinical-significance assessments for this variant to ClinVar. Based on the evidence outlined above, the variant was classified as uncertain significance.